The following is an entry in ClinVar:

NM_003036.4(SKI):c.1973G>A (p.Arg658His)

Gene: SKI (SKI proto-oncogene; plus strand). Cytogenetic location: 1p36.32.
Variant type: single nucleotide variant.
Coding change: c.1973G>A on transcript NM_003036.4 (MANE Select); coding-DNA position 1973, G replaced by A.
Protein change: p.Arg658His; replaces arginine 658 with histidine.
Molecular consequence: missense variant.
Genome position (GRCh38, 1-based): chr1:2,306,225, G>A. VCF-style: chr1-2306225-G-A. GRCh37 (hg19) VCF-style: chr1-2237664-G-A.
Other names: short protein forms R658H.
Identifiers: ClinVar variation 3796267 (VCV003796267.1).

ClinVar aggregate classification (germline): Uncertain significance (1 of 4 stars; one submission).

Conditions:
Familial thoracic aortic aneurysm and aortic dissection (TAAD). Also called: Thoracic aortic aneurysms and dissections. Identifiers: Orphanet 91387, MedGen C4707243, MONDO:0019625.

gnomAD v4.1: 1 of 1,560,320 alleles (0.000064%); highest among the groups gnomAD compares: African/African-American, 0.0014%; no homozygotes.

Submission:

Ambry Genetics
Classification: Uncertain significance for Familial thoracic aortic aneurysm and aortic dissection. Last evaluated: 2025-01-19. Review status: criteria provided, single submitter. Criteria: Ambry Variant Classification Scheme 2023. Collection method: clinical testing. Allele origin: germline.
Comment: The p.R658H variant (also known as c.1973G>A), located in coding exon 6 of the SKI gene, results from a G to A substitution at nucleotide position 1973. The arginine at codon 658 is replaced by histidine, an amino acid with highly similar properties. This amino acid position is conserved. In addition, the in silico prediction for this alteration is inconclusive. Based on the available evidence, the clinical significance of this variant remains unclear.